The following is an entry in ClinVar:

NM_152618.3(BBS12):c.2011G>A (p.Glu671Lys)

Gene: BBS12 (Bardet-Biedl syndrome 12; plus strand). Cytogenetic location: 4q27.
Variant type: single nucleotide variant.
Coding change: c.2011G>A on transcript NM_152618.3 (MANE Select); coding-DNA position 2011, G replaced by A.
Protein change: p.Glu671Lys; replaces glutamic acid 671 with lysine.
Molecular consequence: missense variant.
Genome position (GRCh38, 1-based): chr4:122,743,903, G>A. VCF-style: chr4-122743903-G-A. GRCh37 (hg19) VCF-style: chr4-123665058-G-A.
Other names: c.2011G>A, p.Glu671Lys (NM_001178007.2); short protein forms E671K.
Identifiers: ClinVar variation 2584910 (VCV002584910.1), dbSNP rs2485078721, ClinGen allele CA358226370.
Genomic context (GRCh38, chr4:122,743,903, plus strand): 5'-GACATTTCAAATAAACTGGAGCAGATTCCGAGAGTTTATGACGTTGTTACACCAAAGATT[G>A]AGGCGTGGCGCCGAGCATTGGATTTAGTATTGTTAGTACTTCAGACAGACAGTGAAATAA-3'
Protein context (NP_689831.2, residues 661-681): RVYDVVTPKI[Glu671Lys]AWRRALDLVL

ClinVar aggregate classification (germline): Uncertain significance (1 of 4 stars; one submission).

Conditions:
Bardet-Biedl syndrome 12 (BBS12). Identifiers: Orphanet 110, MedGen C1859570, MONDO:0014440, OMIM 615989.

Submission:

Neuberg Centre For Genomic Medicine, NCGM
Classification: Uncertain significance for Bardet-Biedl syndrome 12. Review status: criteria provided, single submitter. Criteria: ACMG Guidelines, 2015. Collection method: clinical testing. Allele origin: germline. Inheritance: Autosomal recessive inheritance. Affected: yes.
Comment: The missense variant c.2011G>A (p.Glu671Lys) in BBS12 gene has not been reported previously as a pathogenic variant nor as a benign variant, to our knowledge. The p.Glu671Lys variant is novel (not in any individuals) in gnomAD exomes and 1000 Genomes. This variant has not been reported to the ClinVar database. The amino acid Glu at position 671 is changed to a Lys changing protein sequence and it might alter its composition and physico-chemical properties.The amino acid change p.Glu671Lys in BBS12 is predicted as conserved by GERP++ and PhyloP across 100 vertebrates. For these reasons, this variant has been classified as Uncertain Significance (VUS).